The following is an entry in ClinVar:

ClinVar aggregate classification (germline): Uncertain significance (1 of 4 stars; one submission).

gnomAD v4.1: 2 of 1,463,278 alleles (0.00014%); highest among the groups gnomAD compares: Non-Finnish European, 0.000091%; no homozygotes.

Submission:

Labcorp Genetics (formerly Invitae), Labcorp
Classification: Uncertain significance. Last evaluated: 2024-05-31. Review status: criteria provided, single submitter. Criteria: Invitae Variant Classification Sherloc (09022015). Collection method: clinical testing. Allele origin: germline.
Comment: This sequence change replaces glycine, which is neutral and non-polar, with aspartic acid, which is acidic and polar, at codon 504 of the ARID1B protein (p.Gly504Asp). This variant is not present in population databases (gnomAD no frequency). This variant has not been reported in the literature in individuals affected with ARID1B-related conditions. Advanced modeling of protein sequence and biophysical properties (such as structural, functional, and spatial information, amino acid conservation, physicochemical variation, residue mobility, and thermodynamic stability) has been performed at Invitae for this missense variant, however the output from this modeling did not meet the statistical confidence thresholds required to predict the impact of this variant on ARID1B protein function. In summary, the available evidence is currently insufficient to determine the role of this variant in disease. Therefore, it has been classified as a Variant of Uncertain Significance.

NM_001374828.1(ARID1B):c.1760G>A (p.Gly587Asp)

Gene: ARID1B (AT-rich interaction domain 1B; plus strand). Cytogenetic location: 6q25.3.
Variant type: single nucleotide variant.
Coding change: c.1760G>A on transcript NM_001374828.1 (MANE Select); coding-DNA position 1760, G replaced by A.
Protein change: p.Gly587Asp; replaces glycine 587 with aspartic acid.
Molecular consequence: missense variant.
Genome position (GRCh38, 1-based): chr6:156,779,440, G>A. VCF-style: chr6-156779440-G-A. GRCh37 (hg19) VCF-style: chr6-157100574-G-A.
Other names: c.1760G>A, p.Gly587Asp (NM_001371656.1, NM_001374820.1, NM_017519.3); short protein forms G587D.
Identifiers: ClinVar variation 3719786 (VCV003719786.2).
Genomic context (GRCh38, chr6:156,779,440, plus strand): 5'-CCGCTGCCAGCCCGGCCTGGGCGGCCGCGCAACAAAGGAGTCACCCGGCGATGAGCCCCG[G>A]CACCCCCGGACCGACCATGGGCAGATCCCAGGTAACCCTCGCGCCAGCCGGGCCTGCTTC-3'
Protein context (NP_001361757.1, residues 577-597): QQRSHPAMSP[Gly587Asp]TPGPTMGRSQ